The following is an entry in ClinVar:

ClinVar aggregate classification (germline): Uncertain significance (1 of 4 stars; one submission).

Conditions:
Developmental and epileptic encephalopathy 94 (DEE94). Also called: CHD2-Related Neurodevelopmental Disorders; Epileptic encephalopathy, childhood-onset. Identifiers: Orphanet 1942, Orphanet 2382, MedGen C3809278, MONDO:0014150, OMIM 615369.

Allele frequency attached by ClinVar (database versions not stated): gnomAD exomes 0.00001.
gnomAD v4.1: 9 of 1,613,266 alleles (0.00056%); highest among the groups gnomAD compares: South Asian, 0.0099%; no homozygotes.

Submission:

Labcorp Genetics (formerly Invitae), Labcorp
Classification: Uncertain significance for Developmental and epileptic encephalopathy 94. Last evaluated: 2023-04-06. Review status: criteria provided, single submitter. Criteria: Invitae Variant Classification Sherloc (09022015). Collection method: clinical testing. Allele origin: germline.
Comment: In summary, the available evidence is currently insufficient to determine the role of this variant in disease. Therefore, it has been classified as a Variant of Uncertain Significance. Advanced modeling of protein sequence and biophysical properties (such as structural, functional, and spatial information, amino acid conservation, physicochemical variation, residue mobility, and thermodynamic stability) performed at Invitae indicates that this missense variant is not expected to disrupt CHD2 protein function. This variant has not been reported in the literature in individuals affected with CHD2-related conditions. This variant is not present in population databases (gnomAD no frequency). This sequence change replaces serine, which is neutral and polar, with arginine, which is basic and polar, at codon 688 of the CHD2 protein (p.Ser688Arg).

NM_001271.4(CHD2):c.2062A>C (p.Ser688Arg)

Gene: CHD2 (chromodomain helicase DNA binding protein 2; plus strand). Cytogenetic location: 15q26.1.
Variant type: single nucleotide variant.
Coding change: c.2062A>C on transcript NM_001271.4 (MANE Select); coding-DNA position 2062, A replaced by C.
Protein change: p.Ser688Arg; replaces serine 688 with arginine.
Molecular consequence: missense variant.
Genome position (GRCh38, 1-based): chr15:92,967,386, A>C. VCF-style: chr15-92967386-A-C. GRCh37 (hg19) VCF-style: chr15-93510616-A-C.
Other names: short protein forms S688R.
Identifiers: ClinVar variation 2807742 (VCV002807742.3), dbSNP rs2505515783, ClinGen allele CA393907126.